The following is an entry in ClinVar:

NM_001164760.2(PRKAR1B):c.1017C>T (p.Val339=)

Gene: PRKAR1B (protein kinase cAMP-dependent type I regulatory subunit beta; minus strand). Cytogenetic location: 7p22.3.
Variant type: single nucleotide variant.
Coding change: c.1017C>T on transcript NM_001164760.2 (MANE Select); coding-DNA position 1017, C replaced by T.
Protein change: p.Val339=; no amino-acid change (valine 339 retained).
Molecular consequence: synonymous variant.
Genome position (GRCh38, 1-based): chr7:550,559, G>A on the plus strand (C>T on the coding strand, the complement: PRKAR1B is on the minus strand). VCF-style: chr7-550559-G-A. GRCh37 (hg19) VCF-style: chr7-590196-G-A.
Other names: c.1017C>T, p.Val339= (NM_001164758.2, NM_001164759.1, NM_001164761.2 and 2 more transcripts).
Identifiers: ClinVar variation 730568 (VCV000730568.5), dbSNP rs149291819, ClinGen allele CA4109832.

ClinVar aggregate classification (germline): Benign. Review status: criteria provided, single submitter (1 of 4 stars). 2 submissions from 2 submitters: Benign (1). 1 of the submissions does not count toward it. Last evaluated 2018-05-09.

Conditions:
PRKAR1B-related disorder. Also called: PRKAR1B-related condition.

Allele frequency attached by ClinVar (database versions not stated): 1000 Genomes Project 0.00160; gnomAD exomes 0.00030; ExAC 0.00059; ESP Exome Variant Server 0.00124; 1000 Genomes Project 30x 0.00125; gnomAD 0.00126 and 0.00138; TOPMed 0.00130.
gnomAD v4.1: 362 of 1,600,144 alleles (0.023%); highest among the groups gnomAD compares: African/African-American, 0.42%; 1 homozygote.

Submissions (2):

Labcorp Genetics (formerly Invitae), Labcorp
Classification: Benign. Last evaluated: 2018-05-09. Review status: criteria provided, single submitter. Criteria: Invitae Variant Classification Sherloc (09022015). Collection method: clinical testing. Allele origin: germline.

PreventionGenetics, part of Exact Sciences
Classification: Likely benign for PRKAR1B-related condition. Last evaluated: 2019-11-11. Review status: no assertion criteria provided. Collection method: clinical testing. Allele origin: germline. Not counted in ClinVar's aggregate classification.
Comment: This variant is classified as likely benign based on ACMG/AMP sequence variant interpretation guidelines (Richards et al. 2015 PMID: 25741868, with internal and published modifications).